The following is an entry in ClinVar:

ClinVar aggregate classification (germline): Likely pathogenic (1 of 4 stars; one submission).

Conditions:
3M syndrome 3. Also called: THREE M SYNDROME 3; 3-M Syndrome, CCDC8-Related. Identifiers: Orphanet 2616, MedGen C3280146, MONDO:0013627, OMIM 614205.

Submission:

3billion
Classification: Likely pathogenic for 3M syndrome 3. Last evaluated: 2025-11-18. Review status: criteria provided, single submitter. Criteria: ACMG Guidelines, 2015. Collection method: clinical testing. Allele origin: germline. Affected: yes.
Comment: The variant is not observed in the gnomAD v4.1.0 dataset. Predicted Consequence/Location: Frameshift: predicted to result in a loss or disruption of normal protein function through protein truncation. The predicted truncated protein may be shortened by more than 10%. Therefore, this variant is classified as Likely pathogenic according to the recommendation of ACMG/AMP guideline.

NM_032040.5(CCDC8):c.284del (p.Gly95fs)

Gene: CCDC8 (coiled-coil domain containing 8 subunit of 3M complex; minus strand). Cytogenetic location: 19q13.32.
Variant type: Deletion.
Coding change: c.284del on transcript NM_032040.5 (MANE Select); coding-DNA position 284, one base deleted (G; older notation c.284delG).
Protein change: p.Gly95fs; shifts the reading frame from glycine 95.
Molecular consequence: frameshift variant.
Genome position (GRCh38, 1-based): chr19:46,412,527, C deleted on the plus strand (G on the coding strand, the reverse complement: CCDC8 is on the minus strand); the first of 3 consecutive C bases (chr19:46,412,527-46,412,529); deleting any one gives the same sequence. VCF-style (leftmost placement, unchanged base first): chr19-46412526-GC-G. GRCh37 (hg19) VCF-style: chr19-46915783-GC-G.
Other names: short protein forms G95fs.
Identifiers: ClinVar variation 4855418 (VCV004855418.1).